The following is an entry in ClinVar:

NM_152268.4(PARS2):c.557G>A (p.Arg186Lys)

Gene: PARS2 (prolyl-tRNA synthetase 2, mitochondrial; minus strand). Cytogenetic location: 1p32.3.
Variant type: single nucleotide variant.
Coding change: c.557G>A on transcript NM_152268.4 (MANE Select); coding-DNA position 557, G replaced by A.
Protein change: p.Arg186Lys; replaces arginine 186 with lysine.
Molecular consequence: missense variant.
Genome position (GRCh38, 1-based): chr1:54,758,605, C>T on the plus strand (G>A on the coding strand, the complement: PARS2 is on the minus strand). VCF-style: chr1-54758605-C-T. GRCh37 (hg19) VCF-style: chr1-55224278-C-T.
Other names: c.557G>A (NM_152268.3); short protein forms R186K.
Identifiers: ClinVar variation 1900315 (VCV001900315.4), dbSNP rs376605388, ClinGen allele CA869455.
Genomic context (GRCh38, chr1:54,758,605, plus strand): 5'-ATGTAAAACTCTCGGCCACGGAGAAGACCAAAGCGGGGCCTGGGCTCATCCCGAAACTTC[C>T]TTGTCACTTGGTACAGCAGGAAGGGAAGCTGCTTGTAGGACAGTTTCTTCTGGGAGGCAA-3'
Protein context (NP_689481.2, residues 176-196): QLPFLLYQVT[Arg186Lys]KFRDEPRPRF

ClinVar aggregate classification (germline): Uncertain significance. Review status: criteria provided, multiple submitters, no conflicts (2 of 4 stars). 2 submissions from 2 submitters: Uncertain significance (2). Last evaluated 2023-06-06.

Conditions:
Inborn genetic diseases. Identifiers: MedGen C0950123, MeSH D030342.

Allele frequency attached by ClinVar (database versions not stated): gnomAD exomes 0.00001; ExAC 0.00002; TOPMed 0.00002; gnomAD 0.00003; ESP Exome Variant Server 0.00008.

Submissions (2):

Ambry Genetics
Classification: Uncertain significance for Inborn genetic diseases. Last evaluated: 2023-06-06. Review status: criteria provided, single submitter. Criteria: Ambry Variant Classification Scheme 2023. Collection method: clinical testing. Allele origin: germline.

Labcorp Genetics (formerly Invitae), Labcorp
Classification: Uncertain significance. Last evaluated: 2022-08-13. Review status: criteria provided, single submitter. Criteria: Invitae Variant Classification Sherloc (09022015). Collection method: clinical testing. Allele origin: germline.
Comment: This sequence change replaces arginine, which is basic and polar, with lysine, which is basic and polar, at codon 186 of the PARS2 protein (p.Arg186Lys). This variant is present in population databases (rs376605388, gnomAD 0.006%). This variant has not been reported in the literature in individuals affected with PARS2-related conditions. Algorithms developed to predict the effect of missense changes on protein structure and function are either unavailable or do not agree on the potential impact of this missense change (SIFT: "Tolerated"; PolyPhen-2: "Possibly Damaging"; Align-GVGD: "Class C0"). In summary, the available evidence is currently insufficient to determine the role of this variant in disease. Therefore, it has been classified as a Variant of Uncertain Significance.